The following is an entry in ClinVar:

ClinVar aggregate classification (germline): Uncertain significance. Review status: criteria provided, single submitter (1 of 4 stars). 2 submissions from 2 submitters: Uncertain significance (1). 1 of the submissions does not count toward it. Last evaluated 2018-08-27.

Conditions:
ACADVL-related disorder. Also called: ACADVL-related condition.
Very long chain acyl-CoA dehydrogenase deficiency (ACADVLD). Also called: VLCAD Deficiency; Very Long-Chain Acyl-Coenzyme A Dehydrogenase Deficiency. Identifiers: Orphanet 26793, MedGen C3887523, MONDO:0008723, OMIM 201475.

Allele frequency attached by ClinVar (database versions not stated): gnomAD exomes below 0.00001.
gnomAD v4.1: 1 of 1,613,818 alleles (0.000062%); highest among the groups gnomAD compares: Middle Eastern, 0.017%; no homozygotes.

Submissions (2):

ARUP Laboratories, Molecular Genetics and Genomics, ARUP Laboratories
Classification: Uncertain significance for Very long chain acyl-CoA dehydrogenase deficiency. Last evaluated: 2018-08-27. Review status: criteria provided, single submitter. Criteria: ARUP Molecular Germline Variant Investigation Process. Collection method: clinical testing. Allele origin: germline.
Comment: The ACADVL c.614T>C; p.Leu205Pro variant, also known as p.L165P, is reported in the literature in the compound heterozygous state with another variant of unknown significance in at least one individual affected with very-long-chain acyl-CoA dehydrogenase deficiency (Schymik 2006). This variant is absent from general population databases (1000 Genomes Project, Exome Variant Server, and Genome Aggregation Database), indicating it is not a common polymorphism. The leucine at codon 205 is moderately conserved, and computational analyses (SIFT, PolyPhen-2) predict that this variant is deleterious. Due to limited information, the clinical significance of the p.Leu205Pro variant is uncertain at this time. References: Schymik I et al. Pitfalls of neonatal screening for very-long-chain acyl-CoA dehydrogenase deficiency using tandem mass spectrometry. J Pediatr. 2006 Jul;149(1):128-30.

PreventionGenetics, part of Exact Sciences
Classification: Uncertain significance for ACADVL-related condition. Last evaluated: 2024-09-19. Review status: no assertion criteria provided. Collection method: clinical testing. Allele origin: germline. Not counted in ClinVar's aggregate classification.
Comment: The ACADVL c.614T>C variant is predicted to result in the amino acid substitution p.Leu205Pro. This variant was reported in the compound heterozygous state with the p.Leu165Pro in an individual with biochemical features consistent with very long chain acyl-CoA dehydrogenase deficiency (Schymik et al. 2006. PubMed ID: 16860141). Patient presented no residual activity on enzyme analysis (Schymik et al. 2006. PubMed ID: 16860141). A different missense variant affecting this residue has been reported in the compound heterozygous state a patient with low residual VLCAD enzyme activity. This variant has not been reported in a large population database, indicating this variant is rare. Although we suspect that the p.Leu205Pro variant may be pathogenic, at this time, the clinical significance of this variant is uncertain due to the absence of conclusive functional and genetic evidence.

NM_000018.4(ACADVL):c.614T>C (p.Leu205Pro)

Gene: ACADVL (acyl-CoA dehydrogenase very long chain; plus strand). Cytogenetic location: 17p13.1.
Variant type: single nucleotide variant.
Coding change: c.614T>C on transcript NM_000018.4 (MANE Select); coding-DNA position 614, T replaced by C.
Protein change: p.Leu205Pro; replaces leucine 205 with proline.
Molecular consequence: missense variant.
Genome position (GRCh38, 1-based): chr17:7,221,674, T>C. VCF-style: chr17-7221674-T-C. GRCh37 (hg19) VCF-style: chr17-7124993-T-C.
Other names: c.614T>C (NM_000018.3); c.548T>C, p.Leu183Pro (NM_001033859.3); c.683T>C, p.Leu228Pro (NM_001270447.2); c.386T>C, p.Leu129Pro (NM_001270448.2); short protein forms L129P, L183P, L205P, L228P.
Identifiers: ClinVar variation 811524 (VCV000811524.9), dbSNP rs1597525633, ClinGen allele CA397723279.